The following is an entry in ClinVar:

ClinVar aggregate classification (germline): Uncertain significance. Review status: criteria provided, multiple submitters, no conflicts (2 of 4 stars). 2 submissions from 2 submitters: Uncertain significance (2). Last evaluated 2025-01-13.

Conditions:
T-cell immunodeficiency, congenital alopecia, and nail dystrophy. Also called: Congenital alopecia and nail dystrophy associated with severe functional T-cell immunodeficiency; Pignata Guarino syndrome. Identifiers: Orphanet 169095, MedGen C1866426, MONDO:0011132, OMIM 601705.

gnomAD v4.1: 23 of 1,608,900 alleles (0.0014%); highest among the groups gnomAD compares: Middle Eastern, 0.017%; no homozygotes.

Submissions (2):

Labcorp Genetics (formerly Invitae), Labcorp
Classification: Uncertain significance for T-cell immunodeficiency, congenital alopecia, and nail dystrophy. Last evaluated: 2025-01-13. Review status: criteria provided, single submitter. Criteria: Invitae Variant Classification Sherloc (09022015). Collection method: clinical testing. Allele origin: germline.
Comment: This sequence change replaces aspartic acid, which is acidic and polar, with asparagine, which is neutral and polar, at codon 517 of the FOXN1 protein (p.Asp517Asn). This variant is present in population databases (no rsID available, gnomAD 0.0009%). This variant has not been reported in the literature in individuals affected with FOXN1-related conditions. ClinVar contains an entry for this variant (Variation ID: 1384132). Invitae Evidence Modeling of protein sequence and biophysical properties (such as structural, functional, and spatial information, amino acid conservation, physicochemical variation, residue mobility, and thermodynamic stability) indicates that this missense variant is not expected to disrupt FOXN1 protein function with a negative predictive value of 80%. In summary, the available evidence is currently insufficient to determine the role of this variant in disease. Therefore, it has been classified as a Variant of Uncertain Significance.

Breakthrough Genomics
Classification: Uncertain significance. Review status: criteria provided, single submitter. Criteria: ACMG Guidelines, 2015. Collection method: not provided. Allele origin: germline. Inheritance: Autosomal recessive inheritance. Affected: yes.

NM_001369369.1(FOXN1):c.1549G>A (p.Asp517Asn)

Gene: FOXN1 (forkhead box N1; plus strand). Cytogenetic location: 17q11.2.
Variant type: single nucleotide variant.
Coding change: c.1549G>A on transcript NM_001369369.1 (MANE Select); coding-DNA position 1549, G replaced by A.
Protein change: p.Asp517Asn; replaces aspartic acid 517 with asparagine.
Molecular consequence: missense variant.
Genome position (GRCh38, 1-based): chr17:28,535,120, G>A. VCF-style: chr17-28535120-G-A. GRCh37 (hg19) VCF-style: chr17-26862138-G-A.
Other names: c.1549G>A, p.Asp517Asn (NM_003593.3); short protein forms D517N.
Identifiers: ClinVar variation 1384132 (VCV001384132.7), dbSNP rs200053524, ClinGen allele CA289120371.